The following is an entry in ClinVar:

NM_000263.4(NAGLU):c.546G>C (p.Leu182Phe)

Gene: NAGLU (N-acetyl-alpha-glucosaminidase; plus strand). Cytogenetic location: 17q21.2.
Variant type: single nucleotide variant.
Coding change: c.546G>C on transcript NM_000263.4 (MANE Select); coding-DNA position 546, G replaced by C.
Protein change: p.Leu182Phe; replaces leucine 182 with phenylalanine.
Molecular consequence: missense variant.
Genome position (GRCh38, 1-based): chr17:42,538,353, G>C. VCF-style: chr17-42538353-G-C. GRCh37 (hg19) VCF-style: chr17-40690371-G-C.
Other names: c.546G>C (NM_000263.3); short protein forms L182F.
Identifiers: ClinVar variation 2059083 (VCV002059083.2), dbSNP rs2510653158, ClinGen allele CA399598358.

ClinVar aggregate classification (germline): Uncertain significance. Review status: criteria provided, multiple submitters, no conflicts (2 of 4 stars). 2 submissions from 2 submitters: Uncertain significance (2). Last evaluated 2026-02-14.

Conditions:
NAGLU-related disorder. Also called: NAGLU-related condition.
Charcot-Marie-Tooth disease axonal type 2V. Also called: CHARCOT-MARIE-TOOTH NEUROPATHY, TYPE 2V; CHARCOT-MARIE-TOOTH DISEASE, AXONAL, AUTOSOMAL DOMINANT, TYPE 2V. Identifiers: Orphanet 447964, MedGen C5569050, MONDO:0014665, OMIM 616491.
Mucopolysaccharidosis, MPS-III-B (MPS3B). Also called: N-ACETYL-ALPHA-D-GLUCOSAMINIDASE DEFICIENCY; NAGLU DEFICIENCY; SANFILIPPO SYNDROME B; MPS III B; MUCOPOLYSACCHARIDOSIS, TYPE IIIB; MPS IIIB (Sanfilippo Syndrome Type B). Identifiers: Orphanet 79270, MedGen C0086648, MONDO:0009656, OMIM 252920.

Submissions (2):

PreventionGenetics, part of Exact Sciences
Classification: Uncertain significance for NAGLU-related condition. Last evaluated: 2026-02-14. Review status: criteria provided, single submitter. Criteria: ACMG Guidelines, 2015. Collection method: clinical testing. Allele origin: germline.
Comment: The NAGLU c.546G>C variant is predicted to result in the amino acid substitution p.Leu182Phe. To our knowledge, this variant has not been reported in the literature or in a large population database (gnomAD), indicating this variant is rare. At this time, the clinical significance of this variant is uncertain due to the absence of conclusive functional and genetic evidence.

Labcorp Genetics (formerly Invitae), Labcorp
Classification: Uncertain significance for Charcot-Marie-Tooth disease axonal type 2V; Mucopolysaccharidosis, MPS-III-B. Last evaluated: 2022-02-11. Review status: criteria provided, single submitter. Criteria: Invitae Variant Classification Sherloc (09022015). Collection method: clinical testing. Allele origin: germline.
Comment: This sequence change replaces leucine, which is neutral and non-polar, with phenylalanine, which is neutral and non-polar, at codon 182 of the NAGLU protein (p.Leu182Phe). This variant is not present in population databases (gnomAD no frequency). This variant has not been reported in the literature in individuals affected with NAGLU-related conditions. Algorithms developed to predict the effect of missense changes on protein structure and function are either unavailable or do not agree on the potential impact of this missense change (SIFT: "Deleterious"; PolyPhen-2: "Benign"; Align-GVGD: "Class C0"). In summary, the available evidence is currently insufficient to determine the role of this variant in disease. Therefore, it has been classified as a Variant of Uncertain Significance.